The following is an entry in ClinVar:

ClinVar aggregate classification (germline): Uncertain significance (1 of 4 stars; one submission).

Conditions:
Baller-Gerold syndrome (BGS). Also called: CRANIOSYNOSTOSIS WITH RADIAL DEFECTS. Identifiers: Orphanet 1225, MedGen C0265308, MONDO:0009039, OMIM 218600.

Allele frequency attached by ClinVar (database versions not stated): gnomAD exomes below 0.00001.

Submission:

Labcorp Genetics (formerly Invitae), Labcorp
Classification: Uncertain significance for Baller-Gerold syndrome. Last evaluated: 2023-01-28. Review status: criteria provided, single submitter. Criteria: Invitae Variant Classification Sherloc (09022015). Collection method: clinical testing. Allele origin: germline.
Comment: In summary, the available evidence is currently insufficient to determine the role of this variant in disease. Therefore, it has been classified as a Variant of Uncertain Significance. Experimental studies and prediction algorithms are not available or were not evaluated, and the functional significance of this variant is currently unknown. ClinVar contains an entry for this variant (Variation ID: 569886). This variant has not been reported in the literature in individuals affected with RECQL4-related conditions. This variant is not present in population databases (gnomAD no frequency). This sequence change replaces glutamic acid, which is acidic and polar, with glycine, which is neutral and non-polar, at codon 883 of the RECQL4 protein (p.Glu883Gly).

NM_004260.4(RECQL4):c.2648A>G (p.Glu883Gly)

Gene: RECQL4 (RecQ like helicase 4; minus strand). Cytogenetic location: 8q24.3.
Variant type: single nucleotide variant.
Coding change: c.2648A>G on transcript NM_004260.4 (MANE Select); coding-DNA position 2648, A replaced by G.
Protein change: p.Glu883Gly; replaces glutamic acid 883 with glycine.
Molecular consequence: missense variant.
Genome position (GRCh38, 1-based): chr8:144,512,954, T>C on the plus strand (A>G on the coding strand, the complement: RECQL4 is on the minus strand). VCF-style: chr8-144512954-T-C. GRCh37 (hg19) VCF-style: chr8-145738337-T-C.
Other names: short protein forms E883G.
Identifiers: ClinVar variation 569886 (VCV000569886.7), dbSNP rs1305824852, ClinGen allele CA372675687.